The following is an entry in ClinVar:

NM_014975.3(MAST1):c.3241T>G (p.Ser1081Ala)

Gene: MAST1 (microtubule associated serine/threonine kinase 1; plus strand). Cytogenetic location: 19p13.13.
Variant type: single nucleotide variant.
Coding change: c.3241T>G on transcript NM_014975.3 (MANE Select); coding-DNA position 3241, T replaced by G.
Protein change: p.Ser1081Ala; replaces serine 1081 with alanine.
Molecular consequence: missense variant.
Genome position (GRCh38, 1-based): chr19:12,871,150, T>G. VCF-style: chr19-12871150-T-G. GRCh37 (hg19) VCF-style: chr19-12981964-T-G.
Other names: c.3241T>G (NM_014975.2); short protein forms S1081A.
Identifiers: ClinVar variation 2110453 (VCV002110453.5), dbSNP rs746437683, ClinGen allele CA404284788.

ClinVar aggregate classification (germline): Uncertain significance. Review status: criteria provided, multiple submitters, no conflicts (2 of 4 stars). 2 submissions from 2 submitters: Uncertain significance (2). Last evaluated 2025-10-30.

Conditions:
Inborn genetic diseases. Identifiers: MedGen C0950123, MeSH D030342.

Allele frequency attached by ClinVar (database versions not stated): TOPMed below 0.00001; gnomAD exomes 0.00001; gnomAD 0.00002.
gnomAD v4.1: 15 of 1,613,858 alleles (0.00093%); highest among the groups gnomAD compares: Middle Eastern, 0.033%; no homozygotes.

Submissions (2):

Ambry Genetics
Classification: Uncertain significance for Inborn genetic diseases. Last evaluated: 2025-10-30. Review status: criteria provided, single submitter. Criteria: Ambry Variant Classification Scheme 2023. Collection method: clinical testing. Allele origin: germline.

Labcorp Genetics (formerly Invitae), Labcorp
Classification: Uncertain significance. Last evaluated: 2022-10-08. Review status: criteria provided, single submitter. Criteria: Invitae Variant Classification Sherloc (09022015). Collection method: clinical testing. Allele origin: germline.
Comment: In summary, the available evidence is currently insufficient to determine the role of this variant in disease. Therefore, it has been classified as a Variant of Uncertain Significance. Algorithms developed to predict the effect of missense changes on protein structure and function output the following: SIFT: "Tolerated"; PolyPhen-2: "Benign"; Align-GVGD: "Class C0". The alanine amino acid residue is found in multiple mammalian species, which suggests that this missense change does not adversely affect protein function. This variant has not been reported in the literature in individuals affected with MAST1-related conditions. This variant is present in population databases (no rsID available, gnomAD 0.0009%). This sequence change replaces serine, which is neutral and polar, with alanine, which is neutral and non-polar, at codon 1081 of the MAST1 protein (p.Ser1081Ala).